The following is an entry in ClinVar:

NM_015041.3(CLUAP1):c.392G>A (p.Gly131Asp)

Gene: CLUAP1 (clusterin associated protein 1; plus strand). Cytogenetic location: 16p13.3.
Variant type: single nucleotide variant.
Coding change: c.392G>A on transcript NM_015041.3 (MANE Select); coding-DNA position 392, G replaced by A.
Protein change: p.Gly131Asp; replaces glycine 131 with aspartic acid.
Molecular consequence: missense variant.
Genome position (GRCh38, 1-based): chr16:3,508,461, G>A. VCF-style: chr16-3508461-G-A. GRCh37 (hg19) VCF-style: chr16-3558461-G-A.
Other names: c.392G>A, p.Gly131Asp (NM_001330454.2); short protein forms G131D.
Identifiers: ClinVar variation 1406720 (VCV001406720.8), dbSNP rs1596385448, ClinGen allele CA394512494.

ClinVar aggregate classification (germline): Uncertain significance (1 of 4 stars; one submission).

Allele frequency attached by ClinVar (database versions not stated): gnomAD exomes below 0.00001.
gnomAD v4.1: 2 of 1,571,418 alleles (0.00013%); highest among the groups gnomAD compares: Non-Finnish European, 0.00017%; no homozygotes.

Submission:

Labcorp Genetics (formerly Invitae), Labcorp
Classification: Uncertain significance. Last evaluated: 2022-07-06. Review status: criteria provided, single submitter. Criteria: Invitae Variant Classification Sherloc (09022015). Collection method: clinical testing. Allele origin: germline.
Comment: In summary, the available evidence is currently insufficient to determine the role of this variant in disease. Therefore, it has been classified as a Variant of Uncertain Significance. Algorithms developed to predict the effect of missense changes on protein structure and function are either unavailable or do not agree on the potential impact of this missense change (SIFT: "Deleterious"; PolyPhen-2: "Benign"; Align-GVGD: "Class C0"). ClinVar contains an entry for this variant (Variation ID: 1406720). This variant has not been reported in the literature in individuals affected with CLUAP1-related conditions. This variant is not present in population databases (gnomAD no frequency). This sequence change replaces glycine, which is neutral and non-polar, with aspartic acid, which is acidic and polar, at codon 131 of the CLUAP1 protein (p.Gly131Asp).